The following is an entry in ClinVar:

NM_031443.4(CCM2):c.372G>C (p.Trp124Cys)

Gene: CCM2 (CCM2 scaffold protein; plus strand). Cytogenetic location: 7p13.
Variant type: single nucleotide variant.
Coding change: c.372G>C on transcript NM_031443.4 (MANE Select); coding-DNA position 372, G replaced by C.
Protein change: p.Trp124Cys; replaces tryptophan 124 with cysteine.
Molecular consequence: missense variant. On other transcripts: non-coding transcript variant (1).
Genome position (GRCh38, 1-based): chr7:45,064,546, G>C. VCF-style: chr7-45064546-G-C. GRCh37 (hg19) VCF-style: chr7-45104145-G-C.
Other names: c.435G>C, p.Trp145Cys (NM_001029835.2); c.198G>C, p.Trp66Cys (NM_001167934.2, NM_001363459.2); c.372G>C, p.Trp124Cys (NM_001167935.2, NM_001363458.2); short protein forms W124C, W145C, W66C.
Identifiers: ClinVar variation 3363988 (VCV003363988.1).

ClinVar aggregate classification (germline): Uncertain significance (1 of 4 stars; one submission).

Submission:

GeneDx
Classification: Uncertain significance. Last evaluated: 2023-11-09. Review status: criteria provided, single submitter. Criteria: GeneDx Variant Classification Process June 2021. Collection method: clinical testing. Allele origin: germline. Affected: yes.
Comment: Not observed at significant frequency in large population cohorts (gnomAD); In silico analysis supports that this missense variant has a deleterious effect on protein structure/function; Has not been previously published as pathogenic or benign to our knowledge